The following is an entry in ClinVar:

NM_017449.5(EPHB2):c.1689C>A (p.Ile563=)

Gene: EPHB2 (EPH receptor B2; plus strand). Cytogenetic location: 1p36.12.
Variant type: single nucleotide variant.
Coding change: c.1689C>A on transcript NM_017449.5 (MANE Select); coding-DNA position 1689, C replaced by A.
Protein change: p.Ile563=; no amino-acid change (isoleucine 563 retained).
Molecular consequence: synonymous variant. On other transcripts: intron variant (1).
Genome position (GRCh38, 1-based): chr1:22,895,569, C>A. VCF-style: chr1-22895569-C-A. GRCh37 (hg19) VCF-style: chr1-23222062-C-A.
Other names: c.1689C>A, p.Ile563= (NM_001309193.2, NM_004442.7); c.1591+2523C>A (NM_001309192.2).
Identifiers: ClinVar variation 746774 (VCV000746774.4), dbSNP rs35847739, ClinGen allele CA678739.
Genomic context (GRCh38, chr1:22,895,569, plus strand): 5'-CATCATCGGCTCCTCGGCCGCTGGCCTGGTCTTCCTCATTGCTGTGGTTGTCATCGCCAT[C>A]GTGTGTAACAGGTGGGTGGGGTCTCCAGGCTTGGCCAGGCCTGGCTGTCCCAGATGGCTT-3'
Protein context (NP_059145.2, residues 553-573): VFLIAVVVIA[Ile563=]VCNRRGFERA

ClinVar aggregate classification (germline): Benign. Review status: criteria provided, single submitter (1 of 4 stars). 2 submissions from 2 submitters: Benign (1). 1 of the submissions does not count toward it. Last evaluated 2018-01-02.

Conditions:
EPHB2-related disorder. Also called: EPHB2-related condition.

Allele frequency attached by ClinVar (database versions not stated): ESP Exome Variant Server 0.00115; TOPMed 0.00180; gnomAD 0.00210; 1000 Genomes Project 0.00300; 1000 Genomes Project 30x 0.00328.
gnomAD v4.1: 468 of 1,614,240 alleles (0.029%); highest among the groups gnomAD compares: African/African-American, 0.54%; 1 homozygote.

Submissions (2):

Labcorp Genetics (formerly Invitae), Labcorp
Classification: Benign. Last evaluated: 2018-01-02. Review status: criteria provided, single submitter. Criteria: Invitae Variant Classification Sherloc (09022015). Collection method: clinical testing. Allele origin: germline.

PreventionGenetics, part of Exact Sciences
Classification: Likely benign for EPHB2-related condition. Last evaluated: 2024-07-12. Review status: no assertion criteria provided. Collection method: clinical testing. Allele origin: germline. Not counted in ClinVar's aggregate classification.
Comment: This variant is classified as likely benign based on ACMG/AMP sequence variant interpretation guidelines (Richards et al. 2015 PMID: 25741868, with internal and published modifications).